The following is an entry in ClinVar:

ClinVar aggregate classification (germline): Pathogenic/Likely pathogenic. Review status: criteria provided, multiple submitters, no conflicts (2 of 4 stars). 2 submissions from 2 submitters: Pathogenic (1); Likely pathogenic (1). Last evaluated 2023-11-20.

Conditions:
Retinitis pigmentosa 26 (RP26). Identifiers: Orphanet 791, MedGen C1842127, MONDO:0012024, OMIM 608380.

Submissions (2):

Labcorp Genetics (formerly Invitae), Labcorp
Classification: Pathogenic. Last evaluated: 2023-11-20. Review status: criteria provided, single submitter. Criteria: Invitae Variant Classification Sherloc (09022015). Collection method: clinical testing. Allele origin: germline.
Comment: This sequence change creates a premature translational stop signal (p.Trp3*) in the CERKL gene. It is expected to result in an absent or disrupted protein product. Loss-of-function variants in CERKL are known to be pathogenic (PMID: 14681825, 23591405, 24043777). This variant is not present in population databases (gnomAD no frequency). This variant has not been reported in the literature in individuals affected with CERKL-related conditions. ClinVar contains an entry for this variant (Variation ID: 1075279). For these reasons, this variant has been classified as Pathogenic.

Baylor Genetics
Classification: Likely pathogenic for Retinitis pigmentosa 26. Last evaluated: 2023-10-30. Review status: criteria provided, single submitter. Criteria: ACMG Guidelines, 2015. Collection method: clinical testing. Allele origin: unknown.

Literature cited by the submitters: PubMed 14681825 (cited by Labcorp Genetics (formerly Invitae), Labcorp); PubMed 23591405 (cited by Labcorp Genetics (formerly Invitae), Labcorp); PubMed 24043777 (cited by Labcorp Genetics (formerly Invitae), Labcorp).

NM_201548.5(CERKL):c.8G>A (p.Trp3Ter)

Genes: CERKL (CERK like autophagy regulator; minus strand), LOC129935215 (ATAC-STARR-seq lymphoblastoid silent region 12158; plus strand). Cytogenetic location: 2q31.3.
Variant type: single nucleotide variant.
Coding change: c.8G>A on transcript NM_201548.5 (MANE Select); coding-DNA position 8, G replaced by A.
Protein change: p.Trp3Ter; replaces tryptophan 3 with a stop codon.
Molecular consequence: nonsense. On other transcripts: non-coding transcript variant (2).
Genome position (GRCh38, 1-based): chr2:181,656,999, C>T on the plus strand (G>A on the coding strand, the complement: CERKL is on the minus strand). VCF-style: chr2-181656999-C-T. GRCh37 (hg19) VCF-style: chr2-182521726-C-T.
Other names: c.8G>A, p.Trp3Ter (NM_001030311.3, NM_001030312.3, NM_001030313.3 and 1 more transcripts); short protein forms W3*.
Identifiers: ClinVar variation 1075279 (VCV001075279.9), dbSNP rs2105569550, ClinGen allele CA349746013.